The following is an entry in ClinVar:

ClinVar aggregate classification (germline): Uncertain significance (1 of 4 stars; one submission).

Conditions:
Anterior segment dysgenesis. Also called: Ocular anterior segment dysgenesis. Identifiers: Orphanet 88632, MedGen C1862839, MONDO:0019503, HP:0007700.
Congenital primary aphakia. Also called: Anterior segment dysgenesis 2, multiple subtypes; ANTERIOR SEGMENT DYSGENESIS 2. Identifiers: Orphanet 83461, MedGen C1853230, MONDO:0012456, OMIM 610256.

Allele frequency attached by ClinVar (database versions not stated): TOPMed below 0.00001; gnomAD 0.00001.

Submission:

Labcorp Genetics (formerly Invitae), Labcorp
Classification: Uncertain significance for Anterior segment dysgenesis; Congenital primary aphakia. Last evaluated: 2025-06-09. Review status: criteria provided, single submitter. Criteria: Invitae Variant Classification Sherloc (09022015). Collection method: clinical testing. Allele origin: germline.
Comment: This sequence change replaces cysteine, which is neutral and slightly polar, with tryptophan, which is neutral and slightly polar, at codon 239 of the FOXE3 protein (p.Cys239Trp). This variant is not present in population databases (gnomAD no frequency). This variant has not been reported in the literature in individuals affected with FOXE3-related conditions. ClinVar contains an entry for this variant (Variation ID: 2925802). Invitae Evidence Modeling of protein sequence and biophysical properties (such as structural, functional, and spatial information, amino acid conservation, physicochemical variation, residue mobility, and thermodynamic stability) indicates that this missense variant is not expected to disrupt FOXE3 protein function with a negative predictive value of 80%. In summary, the available evidence is currently insufficient to determine the role of this variant in disease. Therefore, it has been classified as a Variant of Uncertain Significance.

NM_012186.3(FOXE3):c.717C>G (p.Cys239Trp)

Genes: FOXE3 (forkhead box E3; plus strand), LINC01389 (long independently transcribed non-coding RNA 1389; minus strand). Cytogenetic location: 1p33.
Variant type: single nucleotide variant.
Coding change: c.717C>G on transcript NM_012186.3 (MANE Select); coding-DNA position 717, C replaced by G.
Protein change: p.Cys239Trp; replaces cysteine 239 with tryptophan.
Molecular consequence: missense variant.
Genome position (GRCh38, 1-based): chr1:47,417,032, C>G. VCF-style: chr1-47417032-C-G. GRCh37 (hg19) VCF-style: chr1-47882704-C-G.
Other names: short protein forms C239W.
Identifiers: ClinVar variation 2925802 (VCV002925802.3), dbSNP rs1557448341, ClinGen allele CA340250578.